The following is an entry in ClinVar:

NM_030662.4(MAP2K2):c.1074G>C (p.Ala358=)

Gene: MAP2K2 (mitogen-activated protein kinase kinase 2; minus strand). Cytogenetic location: 19p13.3.
Variant type: single nucleotide variant.
Coding change: c.1074G>C on transcript NM_030662.4 (MANE Select); coding-DNA position 1074, G replaced by C.
Protein change: p.Ala358=; no amino-acid change (alanine 358 retained).
Molecular consequence: synonymous variant.
Genome position (GRCh38, 1-based): chr19:4,094,471, C>G on the plus strand (G>C on the coding strand, the complement: MAP2K2 is on the minus strand). VCF-style: chr19-4094471-C-G. GRCh37 (hg19) VCF-style: chr19-4094469-C-G.
Identifiers: ClinVar variation 1395596 (VCV001395596.23), dbSNP rs140896887, ClinGen allele CA504984442.
Genomic context (GRCh38, chr19:4,094,471, plus strand): 5'-GCCTGCACCCTCCCGGTCCCAGAACCCGCTGGCATCACTCACTGTGAGCATCTTCAGGTC[C>G]GCCCGCTCCGCTGGGTTCTTGATGAGGCTGGGGGTTCCAAGAGGCAGGACCGGGAGGCGG-3'
Protein context (NP_109587.1, residues 348-368): KCLIKNPAER[Ala358=]DLKMLTNHTF

ClinVar aggregate classification (germline): Likely benign. Review status: criteria provided, multiple submitters, no conflicts (2 of 4 stars). 3 submissions from 3 submitters: Likely benign (3). Last evaluated 2026-01-20.

Conditions:
RASopathy. Also called: rasopathies; Noonan spectrum disorder. Identifiers: Orphanet 536391, MedGen C5555857, MONDO:0021060.
Cardiovascular phenotype. Identifiers: MedGen CN230736.

gnomAD v4.1: 1 of 1,567,268 alleles (0.000064%); highest among the groups gnomAD compares: African/African-American, 0.0013%; no homozygotes.

Submissions (3):

Labcorp Genetics (formerly Invitae), Labcorp
Classification: Likely benign for RASopathy. Last evaluated: 2026-01-20. Review status: criteria provided, single submitter. Criteria: Invitae Variant Classification Sherloc (09022015). Collection method: clinical testing. Allele origin: germline.

CeGaT Center for Human Genetics Tuebingen
Classification: Likely benign. Last evaluated: 2025-01-01. Review status: criteria provided, single submitter. Criteria: CeGaT Center For Human Genetics Tuebingen Variant Classification Criteria Version 2. Collection method: clinical testing. Allele origin: germline. Affected: yes. Observed: 1 variant allele.
Comment: MAP2K2: BP4, BP7

Ambry Genetics
Classification: Likely benign for Cardiovascular phenotype. Last evaluated: 2022-03-03. Review status: criteria provided, single submitter. Criteria: Ambry Variant Classification Scheme 2023. Collection method: clinical testing. Allele origin: germline.